The following is an entry in ClinVar:

NM_000051.4(ATM):c.8988-14G>A

Genes: ATM (ATM serine/threonine kinase; plus strand), C11orf65 (chromosome 11 open reading frame 65; minus strand). Cytogenetic location: 11q22.3.
Variant type: single nucleotide variant.
Coding change: c.8988-14G>A on transcript NM_000051.4 (MANE Select); 14 bases into the intron before coding-DNA position 8988, G replaced by A.
Molecular consequence: intron variant.
Genome position (GRCh38, 1-based): chr11:108,365,311, G>A. VCF-style: chr11-108365311-G-A. GRCh37 (hg19) VCF-style: chr11-108236038-G-A.
Other names: c.8988-14G>A (NM_001351834.2); c.640+20609C>T (NM_001330368.2); c.694+20609C>T (NM_001351110.2).
Identifiers: ClinVar variation 2721854 (VCV002721854.4), dbSNP rs1040374548, ClinGen allele CA228383820.

ClinVar aggregate classification (germline): Likely benign. Review status: criteria provided, multiple submitters, no conflicts (2 of 4 stars). 2 submissions from 2 submitters: Likely benign (2). Last evaluated 2024-06-24.

Conditions:
Ataxia-telangiectasia syndrome (AT). Also called: LOUIS-BAR SYNDROME; Cerebello-oculocutaneous telangiectasia; Immunodeficiency with ataxia telangiectasia; Ataxia telangiectasia (A-T); Ataxia-telangiectasia, complementation group D; AT, COMPLEMENTATION GROUP C. Identifiers: Orphanet 100, MedGen C0004135, MONDO:0008840, OMIM 208900.
Familial cancer of breast. Also called: BREAST CANCER, FAMILIAL; Hereditary breast cancer; hereditary breast carcinoma. Identifiers: Orphanet 227535, MedGen C0346153, MONDO:0016419, OMIM 114480. Disease mechanism: loss of function.

Allele frequency attached by ClinVar (database versions not stated): TOPMed below 0.00001; gnomAD exomes below 0.00001.
gnomAD v4.1: 1 of 1,614,154 alleles (0.000062%); no homozygotes.

Submissions (2):

Myriad Genetics, Inc.
Classification: Likely benign for Familial cancer of breast. Last evaluated: 2024-06-24. Review status: criteria provided, single submitter. Criteria: Myriad Autosomal Dominant, Autosomal Recessive and X-Linked Classification Criteria (2023). Collection method: clinical testing. Allele origin: unknown.
Comment: This variant is considered likely benign. This variant is intronic and is not expected to impact mRNA splicing.

Labcorp Genetics (formerly Invitae), Labcorp
Classification: Likely benign for Ataxia-telangiectasia syndrome. Last evaluated: 2023-10-06. Review status: criteria provided, single submitter. Criteria: Invitae Variant Classification Sherloc (09022015). Collection method: clinical testing. Allele origin: germline.